The following is an entry in ClinVar:

NM_002474.3(MYH11):c.1463A>G (p.Asn488Ser)

Gene: MYH11 (myosin heavy chain 11; minus strand). Cytogenetic location: 16p13.11.
Variant type: single nucleotide variant.
Coding change: c.1463A>G on transcript NM_002474.3 (MANE Select); coding-DNA position 1463, A replaced by G.
Protein change: p.Asn488Ser; replaces asparagine 488 with serine.
Molecular consequence: missense variant.
Genome position (GRCh38, 1-based): chr16:15,757,939, T>C on the plus strand (A>G on the coding strand, the complement: MYH11 is on the minus strand). VCF-style: chr16-15757939-T-C. GRCh37 (hg19) VCF-style: chr16-15851796-T-C.
Other names: c.1484A>G, p.Asn495Ser (NM_001040113.2, NM_001040114.2); c.1463A>G, p.Asn488Ser (NM_022844.3); short protein forms N488S, N495S.
Identifiers: ClinVar variation 1004543 (VCV001004543.9), dbSNP rs2041773434, ClinGen allele CA394871295.

ClinVar aggregate classification (germline): Uncertain significance. Review status: criteria provided, multiple submitters, no conflicts (2 of 4 stars). 2 submissions from 2 submitters: Uncertain significance (2). Last evaluated 2023-11-30.

Conditions:
Aortic aneurysm, familial thoracic 4 (AAT4). Also called: AORTIC ANEURYSM/AORTIC DISSECTION AND PATENT DUCTUS ARTERIOSUS. Identifiers: MedGen C1851504, MONDO:0007568, OMIM 132900.
Familial thoracic aortic aneurysm and aortic dissection (TAAD). Also called: Thoracic aortic aneurysms and dissections. Identifiers: Orphanet 91387, MedGen C4707243, MONDO:0019625.

Submissions (2):

All of Us Research Program, National Institutes of Health
Classification: Uncertain significance for Familial thoracic aortic aneurysm and aortic dissection. Last evaluated: 2023-11-30. Review status: criteria provided, single submitter. Criteria: ACMG Guidelines, 2015. Collection method: clinical testing. Allele origin: germline. Inheritance: Autosomal dominant inheritance. Observed: 1 variant allele, 1 heterozygote.
Comment: This study involves interpretation of variants in research participants for the purpose of population health screening. Participant phenotype was not available at the time of variant classification. Additional details can be found in publication PMID: 35346344, PMCID: PMC8962531

Labcorp Genetics (formerly Invitae), Labcorp
Classification: Uncertain significance for Aortic aneurysm, familial thoracic 4. Last evaluated: 2020-02-26. Review status: criteria provided, single submitter. Criteria: Invitae Variant Classification Sherloc (09022015). Collection method: clinical testing. Allele origin: germline.
Comment: This sequence change replaces asparagine with serine at codon 495 of the MYH11 protein (p.Asn495Ser). The asparagine residue is highly conserved and there is a small physicochemical difference between asparagine and serine. This variant is not present in population databases (ExAC no frequency). This variant has not been reported in the literature in individuals with MYH11-related conditions. Algorithms developed to predict the effect of missense changes on protein structure and function are either unavailable or do not agree on the potential impact of this missense change (SIFT: "Deleterious"; PolyPhen-2: "Benign"; Align-GVGD: "Class C0"). In summary, the available evidence is currently insufficient to determine the role of this variant in disease. Therefore, it has been classified as a Variant of Uncertain Significance.